The following is an entry in ClinVar:

ClinVar aggregate classification (germline): Conflicting classifications of pathogenicity. Review status: criteria provided, conflicting classifications (1 of 4 stars). 2 submissions from 2 submitters: Uncertain significance (1); Likely benign (1). Last evaluated 2024-12-31.

gnomAD v4.1: 3 of 1,613,360 alleles (0.00019%); highest among the groups gnomAD compares: Admixed American, 0.005%; no homozygotes.

Submissions (2):

Women's Health and Genetics/Laboratory Corporation of America, LabCorp
Classification: Uncertain significance. Last evaluated: 2024-12-31. Review status: criteria provided, single submitter. Criteria: LabCorp Variant Classification Summary - May 2015. Collection method: clinical testing. Allele origin: germline.
Comment: Variant summary: MYH14 c.563-5T>C alters a nucleotide located close to a canonical splice site and therefore could affect mRNA splicing, leading to a significantly altered protein sequence. Consensus agreement among computation tools predict no significant impact on normal splicing. However, these predictions have yet to be confirmed by functional studies. The variant was absent in 249252 control chromosomes. The available data on variant occurrences in the general population are insufficient to allow any conclusion about variant significance. To our knowledge, no occurrence of c.563-5T>C in individuals affected with Autosomal dominant nonsyndromic hearing loss 4A and no experimental evidence demonstrating its impact on protein function have been reported. No submitters have cited clinical-significance assessments for this variant to ClinVar. Based on the evidence outlined above, the variant was classified as uncertain significance.

Labcorp Genetics (formerly Invitae), Labcorp
Classification: Likely benign. Last evaluated: 2024-12-17. Review status: criteria provided, single submitter. Criteria: Invitae Variant Classification Sherloc (09022015). Collection method: clinical testing. Allele origin: germline.

NM_001145809.2(MYH14):c.563-5T>C

Gene: MYH14 (myosin heavy chain 14; plus strand). Cytogenetic location: 19q13.33.
Variant type: single nucleotide variant.
Coding change: c.563-5T>C on transcript NM_001145809.2 (MANE Select); 5 bases into the intron before coding-DNA position 563, T replaced by C.
Molecular consequence: intron variant.
Genome position (GRCh38, 1-based): chr19:50,223,078, T>C. VCF-style: chr19-50223078-T-C. GRCh37 (hg19) VCF-style: chr19-50726335-T-C.
Other names: c.563-5T>C (NM_001077186.2, NM_024729.4).
Identifiers: ClinVar variation 3715173 (VCV003715173.3).
Genomic context (GRCh38, chr19:50,223,078, plus strand): 5'-AGGGACCAGAGGGCCCTGCTAGAGACTCTCTCAGATGACATATTCCCCCACTCTGTCCCC[T>C]ACAGATCGTGAGGACCAGTCCATTCTCTGCACGTGAGTAATCTGGAAGGACTTCCTGGAG-3'